The following is an entry in ClinVar:

Conditions:
Breast-ovarian cancer, familial, susceptibility to, 1 (BROVCA1). Also called: BRCA1 Hereditary Breast and Ovarian Cancer; OVARIAN CANCER, SUSCEPTIBILITY TO. Identifiers: Orphanet 145, MedGen C2676676, MONDO:0011450, OMIM 604370. Disease mechanism: loss of function.

Submission:

Brotman Baty Institute, University of Washington
No classification provided (evidence only). Condition: Breast-ovarian cancer, familial 1. Review status: no classification provided. Collection method: in vitro. Allele origin: not applicable. Functional consequence: functionally_normal.
ClinVar note: "not provided" was previously submitted as the classification for the variant. However, the classification appeared to be based only on an observation of functional data so it was converted to no classification on 2025-07-30.

NM_007294.4(BRCA1):c.21C>A (p.Arg7=)

Gene: BRCA1 (BRCA1 DNA repair associated; minus strand). Cytogenetic location: 17q21.31.
Variant type: single nucleotide variant.
Coding change: c.21C>A on transcript NM_007294.4 (MANE Select); coding-DNA position 21, C replaced by A.
Protein change: p.Arg7=; no amino-acid change (arginine 7 retained).
Molecular consequence: synonymous variant. On other transcripts: 5 prime UTR variant (136), intron variant (36).
Genome position (GRCh38, 1-based): chr17:43,124,076, G>T on the plus strand (C>A on the coding strand, the complement: BRCA1 is on the minus strand). VCF-style: chr17-43124076-G-T. GRCh37 (hg19) VCF-style: chr17-41276093-G-T.
Other names: c.-168C>A (NM_001407571.1, NM_001407853.1, NM_001407879.1 and 46 more transcripts); c.21C>A, p.Arg7= (NM_001407581.1, NM_001407582.1, NM_001407583.1 and 193 more transcripts); c.-237C>A (NM_001407694.1, NM_001407724.1, NM_001407727.1 and 11 more transcripts); c.-241C>A (NM_001407695.1, NM_001408465.1); c.-382C>A (NM_001407696.1); c.-266C>A (NM_001407697.1, NM_001407846.1, NM_001407920.1); c.-67C>A (NM_001407698.1, NM_001407732.1, NM_001407736.1 and 23 more transcripts); c.-240C>A (NM_001407725.1, NM_001407730.1, NM_001407734.1 and 22 more transcripts); and 23 more.
Identifiers: ClinVar variation 865007 (VCV000865007.3), dbSNP rs149402012, ClinGen allele CA500131482.